The following is an entry in ClinVar:

NM_138713.4(NFAT5):c.3946A>G (p.Met1316Val)

Gene: NFAT5 (nuclear factor of activated T cells 5; plus strand). Cytogenetic location: 16q22.1.
Variant type: single nucleotide variant.
Coding change: c.3946A>G on transcript NM_138713.4 (MANE Select); coding-DNA position 3946, A replaced by G.
Protein change: p.Met1316Val; replaces methionine 1316 with valine.
Molecular consequence: missense variant.
Genome position (GRCh38, 1-based): chr16:69,693,771, A>G. VCF-style: chr16-69693771-A-G. GRCh37 (hg19) VCF-style: chr16-69727674-A-G.
Other names: c.3943A>G, p.Met1315Val (NM_001113178.3); c.3271A>G, p.Met1091Val (NM_001367709.1); c.3892A>G, p.Met1298Val (NM_006599.4); c.3664A>G, p.Met1222Val (NM_138714.4, NM_173214.3, NM_173215.3); short protein forms M1222V, M1091V, M1316V, M1298V, M1315V.
Identifiers: ClinVar variation 846268 (VCV000846268.10), dbSNP rs534769846, ClinGen allele CA8135986.

ClinVar aggregate classification (germline): Uncertain significance (1 of 4 stars; one submission).

Conditions:
Immunodeficiency. Identifiers: MedGen C0021051, MONDO:0021094, HP:0002721.

Allele frequency attached by ClinVar (database versions not stated): gnomAD 0.00002 and 0.00006; TOPMed 0.00004; gnomAD exomes 0.00006 and 0.00011; ExAC 0.00010; 1000 Genomes Project 30x 0.00031; 1000 Genomes Project 0.00040.

Submission:

Labcorp Genetics (formerly Invitae), Labcorp
Classification: Uncertain significance for Immunodeficiency. Last evaluated: 2025-12-29. Review status: criteria provided, single submitter. Criteria: Invitae Variant Classification Sherloc (09022015). Collection method: clinical testing. Allele origin: germline.
Comment: This sequence change replaces methionine, which is neutral and non-polar, with valine, which is neutral and non-polar, at codon 1222 of the NFAT5 protein (p.Met1222Val). This variant is present in population databases (rs534769846, gnomAD 0.05%), and has an allele count higher than expected for a pathogenic variant. This variant has not been reported in the literature in individuals affected with NFAT5-related conditions. ClinVar contains an entry for this variant (Variation ID: 846268). An algorithm developed to predict the effect of missense changes on protein structure and function outputs the following: PolyPhen-2: "Benign". The valine amino acid residue is found in multiple mammalian species, which suggests that this missense change does not adversely affect protein function. In summary, the available evidence is currently insufficient to determine the role of this variant in disease. Therefore, it has been classified as a Variant of Uncertain Significance.